The following is an entry in ClinVar:

NM_014915.3(ANKRD26):c.53G>A (p.Arg18Gln)

Genes: ANKRD26 (ankyrin repeat domain 26; minus strand), LOC130003554 (ATAC-STARR-seq lymphoblastoid silent region 2243; plus strand). Cytogenetic location: 10p12.1.
Variant type: single nucleotide variant.
Coding change: c.53G>A on transcript NM_014915.3 (MANE Select); coding-DNA position 53, G replaced by A.
Protein change: p.Arg18Gln; replaces arginine 18 with glutamine.
Molecular consequence: missense variant.
Genome position (GRCh38, 1-based): chr10:27,100,274, C>T on the plus strand (G>A on the coding strand, the complement: ANKRD26 is on the minus strand). VCF-style: chr10-27100274-C-T. GRCh37 (hg19) VCF-style: chr10-27389203-C-T.
Other names: c.53G>A, p.Arg18Gln (NM_001256053.2); short protein forms R18Q.
Identifiers: ClinVar variation 5023726 (VCV005023726.1).

ClinVar aggregate classification (germline): Uncertain significance (1 of 4 stars; one submission).

Conditions:
Inborn genetic diseases. Identifiers: MedGen C0950123, MeSH D030342.

Submission:

Ambry Genetics
Classification: Uncertain significance for Inborn genetic diseases. Last evaluated: 2026-08-31. Review status: criteria provided, single submitter. Criteria: Ambry Variant Classification Scheme 2023. Collection method: clinical testing. Allele origin: germline.
Comment: The p.R18Q variant (also known as c.53G>A), located in coding exon 1 of the ANKRD26 gene, results from a G to A substitution at nucleotide position 53. The arginine at codon 18 is replaced by glutamine, an amino acid with highly similar properties. This amino acid position is conserved. In addition, this alteration is predicted to be tolerated by in silico analysis. Based on the available evidence, the clinical significance of this variant remains unclear.